The following is an entry in ClinVar:

ClinVar aggregate classification (germline): Likely pathogenic (1 of 4 stars; one submission).

Conditions:
Marfan syndrome (MFS). Also called: MARFAN SYNDROME, TYPE I; Marfan syndrome type 1; Marfan's syndrome; Marfan syndrome, classic; FBN1-Related Marfan Syndrome. Identifiers: Orphanet 284963, Orphanet 558, MedGen C0024796, MONDO:0007947, OMIM 154700.
Familial thoracic aortic aneurysm and aortic dissection (TAAD). Also called: Thoracic aortic aneurysms and dissections. Identifiers: Orphanet 91387, MedGen C4707243, MONDO:0019625.

Submission:

Labcorp Genetics (formerly Invitae), Labcorp
Classification: Likely pathogenic for Marfan syndrome; Familial thoracic aortic aneurysm and aortic dissection. Last evaluated: 2024-12-17. Review status: criteria provided, single submitter. Criteria: Invitae Variant Classification Sherloc (09022015). Collection method: clinical testing. Allele origin: germline.
Comment: This sequence change replaces cysteine, which is neutral and slightly polar, with arginine, which is basic and polar, at codon 2331 of the FBN1 protein (p.Cys2331Arg). This variant is not present in population databases (gnomAD no frequency). This variant has not been reported in the literature in individuals affected with FBN1-related conditions. Invitae Evidence Modeling of protein sequence and biophysical properties (such as structural, functional, and spatial information, amino acid conservation, physicochemical variation, residue mobility, and thermodynamic stability) indicates that this missense variant is expected to disrupt FBN1 protein function with a positive predictive value of 95%. This variant affects a cysteine residue in the EGF-like, TGFBP or hybrid motif domains of FBN1. Cysteine residues are believed to be involved in intramolecular disulfide bridges and have been shown to be important for FBN1 protein structure (PMID: 16905551, 19349279). In addition, missense substitutions affecting cysteine residues within these domains are significantly overrepresented among patients with Marfan syndrome (PMID: 16571647, 17701892). In summary, the currently available evidence indicates that the variant is pathogenic, but additional data are needed to prove that conclusively. Therefore, this variant has been classified as Likely Pathogenic.

Literature cited by the submitters: PubMed 16905551; PubMed 19349279; PubMed 16571647; PubMed 17701892.

NM_000138.5(FBN1):c.6991T>C (p.Cys2331Arg)

Gene: FBN1 (fibrillin 1; minus strand). Cytogenetic location: 15q21.1.
Variant type: single nucleotide variant.
Coding change: c.6991T>C on transcript NM_000138.5 (MANE Select); coding-DNA position 6991, T replaced by C.
Protein change: p.Cys2331Arg; replaces cysteine 2331 with arginine.
Molecular consequence: missense variant.
Genome position (GRCh38, 1-based): chr15:48,428,352, A>G on the plus strand (T>C on the coding strand, the complement: FBN1 is on the minus strand). VCF-style: chr15-48428352-A-G. GRCh37 (hg19) VCF-style: chr15-48720549-A-G.
Other names: c.6991T>C, p.Cys2331Arg (NM_001406716.1); short protein forms C2331R.
Identifiers: ClinVar variation 3754046 (VCV003754046.2).